The following is an entry in ClinVar:

NM_152564.5(VPS13B):c.10538T>C (p.Val3513Ala)

Gene: VPS13B (vacuolar protein sorting 13 homolog B; plus strand). Cytogenetic location: 8q22.2.
Variant type: single nucleotide variant.
Coding change: c.10538T>C on transcript NM_152564.5 (MANE Select); coding-DNA position 10538, T replaced by C.
Protein change: p.Val3513Ala; replaces valine 3513 with alanine.
Molecular consequence: missense variant.
Genome position (GRCh38, 1-based): chr8:99,853,927, T>C. VCF-style: chr8-99853927-T-C. GRCh37 (hg19) VCF-style: chr8-100866155-T-C.
Other names: c.10538T>C (NM_152564.4); c.10613T>C, p.Val3538Ala (NM_017890.5); short protein forms V3538A, V3513A.
Identifiers: ClinVar variation 836579 (VCV000836579.8), dbSNP rs1816420784, ClinGen allele CA371783775.

ClinVar aggregate classification (germline): Uncertain significance. Review status: criteria provided, multiple submitters, no conflicts (2 of 4 stars). 2 submissions from 2 submitters: Uncertain significance (2). Last evaluated 2024-10-16.

Conditions:
VPS13B-related disorder. Also called: VPS13B-related condition.
Cohen syndrome (COH1). Also called: PEPPER SYNDROME; Cutis verticis gyrata, retinitis pigmentosa, and sensorineural deafness. Identifiers: Orphanet 193, MedGen C0265223, MONDO:0008999, OMIM 216550.

Allele frequency attached by ClinVar (database versions not stated): gnomAD exomes below 0.00001.
gnomAD v4.1: 2 of 1,614,262 alleles (0.00012%); highest among the groups gnomAD compares: Non-Finnish European, 0.000085%; no homozygotes.

Submissions (2):

PreventionGenetics, part of Exact Sciences
Classification: Uncertain significance for VPS13B-related condition. Last evaluated: 2024-10-16. Review status: criteria provided, single submitter. Criteria: ACMG Guidelines, 2015. Collection method: clinical testing. Allele origin: germline.
Comment: The VPS13B c.10538T>C variant is predicted to result in the amino acid substitution p.Val3513Ala. To our knowledge, this variant has not been reported in the literature or in a large population database (gnomAD), indicating this variant is rare. At this time, the clinical significance of this variant is uncertain due to the absence of conclusive functional and genetic evidence.

Labcorp Genetics (formerly Invitae), Labcorp
Classification: Uncertain significance for Cohen syndrome. Last evaluated: 2022-09-27. Review status: criteria provided, single submitter. Criteria: Invitae Variant Classification Sherloc (09022015). Collection method: clinical testing. Allele origin: germline.
Comment: This sequence change replaces valine, which is neutral and non-polar, with alanine, which is neutral and non-polar, at codon 3538 of the VPS13B protein (p.Val3538Ala). This variant is not present in population databases (gnomAD no frequency). This variant has not been reported in the literature in individuals affected with VPS13B-related conditions. ClinVar contains an entry for this variant (Variation ID: 836579). Advanced modeling of protein sequence and biophysical properties (such as structural, functional, and spatial information, amino acid conservation, physicochemical variation, residue mobility, and thermodynamic stability) performed at Invitae indicates that this missense variant is expected to disrupt VPS13B protein function. In summary, the available evidence is currently insufficient to determine the role of this variant in disease. Therefore, it has been classified as a Variant of Uncertain Significance.